The following is an entry in ClinVar:

ClinVar aggregate classification (germline): Pathogenic/Likely pathogenic. Review status: criteria provided, multiple submitters, no conflicts (2 of 4 stars). 4 submissions from 4 submitters: Pathogenic (2); Likely pathogenic (1). 1 of the submissions does not count toward it. Last evaluated 2023-07-21.

Conditions:
EDAR-related disorder. Also called: EDAR-related condition.
Ectodermal dysplasia 10B, hypohidrotic/hair/tooth type, autosomal recessive. Also called: Ectodermal dysplasia 10B, hypohidrotic/hair/tooth type, autosomal; Ectodermal Dysplasia, Hypohidrotic, Autosomal Recessive. Identifiers: Orphanet 238468, Orphanet 248, MedGen C3887494, MONDO:0009147, OMIM 224900.

Submissions (4):

Blueprint Genetics
Classification: Pathogenic for EDAR-related disorders. Last evaluated: 2023-07-21. Review status: criteria provided, single submitter. Criteria: ACMG Guidelines, 2015. Collection method: clinical testing. Allele origin: germline. Affected: yes. Observed: 1 variant allele.

3billion
Classification: Pathogenic for Ectodermal dysplasia 10B, hypohidrotic/hair/tooth type, autosomal recessive. Last evaluated: 2022-01-03. Review status: criteria provided, single submitter. Criteria: ACMG Guidelines, 2015. Collection method: clinical testing. Allele origin: germline. Affected: yes. Observed: 1 homozygote.
Comment: Frameshift: predicted to result in a loss or disruption of normal protein function through nonsense-mediated decay (NMD) or protein truncation. Multiple pathogenic variants are reported downstream of the variant (PVS1_VS). The variant has been reported at least twice as pathogenic/likely pathogenic with clinical assertions and evidence for the classification (ClinVar ID: VCV000005859, PMID:16029325).It is observed at an extremely low frequency in the gnomAD v2.1.1 dataset (total allele frequency: 0.000004, PM2_M). Therefore, this variant is classified as pathogenic according to the recommendation of ACMG/AMP guideline.

Illumina Laboratory Services, Illumina
Classification: Likely pathogenic for Ectodermal dysplasia 10B, hypohidrotic/hair/tooth type, autosomal recessive. Last evaluated: 2017-04-28. Review status: criteria provided, single submitter. Criteria: ICSL Variant Classification Criteria 09 May 2019. Collection method: clinical testing. Allele origin: germline.
Comment: The EDAR c.719_722delAAGA (p.Lys240ArgfsTer7) variant has been reported in two studies and is found in a homozygous state in four patients from two consanguineous families with hypohidrotic ectodermal dysplasia (Naeem et al. 2005; Bashyam et al. 2012). Three of these patients were from the same family (Naeem et al. 2005). The p.Lys240ArgfsTer7 variant was also present in five unaffected heterozygous carriers, two from one family and three from the other including both parents and one sister. Control data are unavailable for this variant and it is not found in the 1000 Genomes Project, the Exome Sequencing Project, or the Exome Aggregation Consortium. The p.Lys240ArgfsTer7 variant has not been reported in association with autosomal dominant HED. Based on the evidence and due to the potential impact of frameshift variants, the p.Lys240ArgfsTer7 variant is classified as likely pathogenic for autosomal recessive hypohidrotic ectodermal dysplasia. This variant was observed by ICSL as part of a predisposition screen in an ostensibly healthy population.

OMIM
Classification: Pathogenic for ECTODERMAL DYSPLASIA 10B, HYPOHIDROTIC/HAIR/TOOTH TYPE, AUTOSOMAL RECESSIVE. Last evaluated: 2005-07-01. Review status: no assertion criteria provided. Collection method: literature only. Allele origin: germline. Not counted in ClinVar's aggregate classification.

Literature cited by the submitters: PubMed 16029325 (cited by 3 submitters); PubMed 22032522 (cited by Illumina Laboratory Services, Illumina).

NM_022336.4(EDAR):c.719_722del (p.Lys240fs)

Genes: EDAR (ectodysplasin A receptor; minus strand), RANBP2 (RAN binding protein 2; plus strand). Cytogenetic location: 2q13.
Variant type: Microsatellite.
Coding change: c.719_722del on transcript NM_022336.4 (MANE Select); coding-DNA positions 719 to 722, 4 bases deleted (AAGA; older notation c.719_722delAAGA).
Protein change: p.Lys240fs; shifts the reading frame from lysine 240.
Molecular consequence: frameshift variant.
Genome position (GRCh38, 1-based): chr2:108,910,784-108,910,787, TCTT deleted on the plus strand (AAGA on the coding strand, the reverse complement: EDAR is on the minus strand); deleting any 4 consecutive bases within chr2:108,910,784-108,910,791 gives the same sequence; the c. name uses the placement nearest the transcript's 3' end. VCF-style (leftmost placement, unchanged base first): chr2-108910783-CTCTT-C. GRCh37 (hg19) VCF-style: chr2-109527239-CTCTT-C.
Other names: short protein forms K240fs.
Identifiers: ClinVar variation 5859 (VCV000005859.7), dbSNP rs797044436, ClinGen allele CA253633.